The following is an entry in ClinVar:

ClinVar aggregate classification (germline): Pathogenic. Review status: criteria provided, single submitter (1 of 4 stars). 2 submissions from 2 submitters: Pathogenic (1). 1 of the submissions does not count toward it. Last evaluated 2019-01-09.

Conditions:
Familial thoracic aortic aneurysm and aortic dissection (TAAD). Also called: Thoracic aortic aneurysms and dissections. Identifiers: Orphanet 91387, MedGen C4707243, MONDO:0019625.
Marfan syndrome (MFS). Also called: Marfan syndrome type 1; Marfan syndrome, classic; Marfan's syndrome; FBN1-Related Marfan Syndrome; MARFAN SYNDROME, TYPE I. Identifiers: Orphanet 284963, Orphanet 558, MedGen C0024796, MONDO:0007947, OMIM 154700.

Submissions (2):

Labcorp Genetics (formerly Invitae), Labcorp
Classification: Pathogenic for Marfan syndrome; Familial thoracic aortic aneurysm and aortic dissection. Last evaluated: 2019-01-09. Review status: criteria provided, single submitter. Criteria: Invitae Variant Classification Sherloc (09022015). Collection method: clinical testing. Allele origin: germline.
Comment: For these reasons, this variant has been classified as Pathogenic. Loss-of-function variants in FBN1 are known to be pathogenic (PMID: 17657824, 19293843). This variant has not been reported in the literature in individuals with FBN1-related disease. ClinVar contains an entry for this variant (Variation ID: 549404). This variant is not present in population databases (ExAC no frequency). This sequence change creates a premature translational stop signal (p.Ile2458Tyrfs*30) in the FBN1 gene. It is expected to result in an absent or disrupted protein product.

Center for Medical Genetics Ghent, University of Ghent
Classification: Likely pathogenic for Marfan syndrome. Last evaluated: 2017-11-07. Review status: no assertion criteria provided. Collection method: clinical testing. Allele origin: germline. Affected: yes. Not counted in ClinVar's aggregate classification.

Literature cited by the submitters: PubMed 17657824 (cited by Labcorp Genetics (formerly Invitae), Labcorp); PubMed 19293843 (cited by Labcorp Genetics (formerly Invitae), Labcorp).

NM_000138.5(FBN1):c.7371dup (p.Ile2458fs)

Gene: FBN1 (fibrillin 1; minus strand). Cytogenetic location: 15q21.1.
Variant type: Duplication.
Coding change: c.7371dup on transcript NM_000138.5 (MANE Select); coding-DNA position 7371, one base duplicated (T; older notation c.7371dupT).
Protein change: p.Ile2458fs; shifts the reading frame from isoleucine 2458.
Molecular consequence: frameshift variant.
Genome position (GRCh38, 1-based): chr15:48,425,451, A duplicated on the plus strand (T on the coding strand, the reverse complement: FBN1 is on the minus strand); the first of 4 consecutive A bases (chr15:48,425,451-48,425,454); duplicating any one gives the same sequence. VCF-style (leftmost placement, unchanged base first): chr15-48425450-T-TA. GRCh37 (hg19) VCF-style: chr15-48717647-T-TA.
Other names: c.7371dupT (NM_000138.4); short protein forms I2458fs.
Identifiers: ClinVar variation 549404 (VCV000549404.9), dbSNP rs1555394407, ClinGen allele CA658824914.
Genomic context (GRCh38, chr15:48,425,450, plus strand): 5'-CTTGCAGAATGTAGCCTTTCGGGCATGAACACTGGTAACTCCCTTCTGTGTTTTTGCAGA[T>TA]AAAATTGCAGGGTTTGGGAGCCTGGTTGCACTCGTTCAGATCTATGATCAAAGAAATACA-3'